The following is an entry in ClinVar:

ClinVar aggregate classification (germline): Benign. Review status: criteria provided, multiple submitters, no conflicts (2 of 4 stars). 5 submissions from 5 submitters: Benign (5). Last evaluated 2026-09-01.

Conditions:
ARHGEF10-related disorder. Also called: ARHGEF10-related condition.

Allele frequency attached by ClinVar (database versions not stated): 1000 Genomes Project 30x 0.00500; 1000 Genomes Project 0.00539; TOPMed 0.00653; gnomAD exomes 0.00740 and 0.01047; ExAC 0.00743; gnomAD 0.00778 and 0.00780; ESP Exome Variant Server 0.00946.
gnomAD v4.1: 16,367 of 1,613,398 alleles (1%); highest among the groups gnomAD compares: Non-Finnish European, 1.2%; 111 homozygotes.

Submissions (5):

CeGaT Center for Human Genetics Tuebingen
Classification: Benign. Last evaluated: 2026-09-01. Review status: criteria provided, single submitter. Criteria: CeGaT Center For Human Genetics Tuebingen Variant Classification Criteria Version 2. Collection method: clinical testing. Allele origin: germline. Affected: yes. Observed: 37 variant alleles.
Comment: ARHGEF10: BP4, BP7, BS1, BS2

Labcorp Genetics (formerly Invitae), Labcorp
Classification: Benign. Last evaluated: 2026-02-02. Review status: criteria provided, single submitter. Criteria: Invitae Variant Classification Sherloc (09022015). Collection method: clinical testing. Allele origin: germline.

PreventionGenetics, part of Exact Sciences
Classification: Benign for ARHGEF10-related condition. Last evaluated: 2026-01-07. Review status: criteria provided, single submitter. Criteria: ACMG Guidelines, 2015. Collection method: clinical testing. Allele origin: germline.
Comment: This variant is classified as benign based on ACMG/AMP sequence variant interpretation guidelines (Richards et al. 2015 PMID: 25741868, with internal and published modifications).

Blueprint Genetics
Classification: Benign. Last evaluated: 2024-11-27. Review status: criteria provided, single submitter. Criteria: ACMG Guidelines, 2015. Collection method: clinical testing. Allele origin: germline.

Breakthrough Genomics
Classification: Benign. Review status: criteria provided, single submitter. Criteria: ACMG Guidelines, 2015. Collection method: not provided. Allele origin: germline. Inheritance: Autosomal dominant inheritance. Affected: yes.

NM_014629.4(ARHGEF10):c.1206T>C (p.Gly402=)

Gene: ARHGEF10 (Rho guanine nucleotide exchange factor 10; plus strand). Cytogenetic location: 8p23.3.
Variant type: single nucleotide variant.
Coding change: c.1206T>C on transcript NM_014629.4 (MANE Select); coding-DNA position 1206, T replaced by C.
Protein change: p.Gly402=; no amino-acid change (glycine 402 retained).
Molecular consequence: synonymous variant.
Genome position (GRCh38, 1-based): chr8:1,893,592, T>C. VCF-style: chr8-1893592-T-C. GRCh37 (hg19) VCF-style: chr8-1841758-T-C.
Other names: c.1092T>C, p.Gly364= (NM_001308152.2); c.1209T>C, p.Gly403= (NM_001308153.3).
Identifiers: ClinVar variation 776599 (VCV000776599.35), dbSNP rs118161222, ClinGen allele CA4600264.